The following is an entry in ClinVar:

ClinVar aggregate classification (germline): Pathogenic (1 of 4 stars; one submission).

Submission:

Labcorp Genetics (formerly Invitae), Labcorp
Classification: Pathogenic. Last evaluated: 2022-09-26. Review status: criteria provided, single submitter. Criteria: Invitae Variant Classification Sherloc (09022015). Collection method: clinical testing. Allele origin: germline.
Comment: This sequence change creates a premature translational stop signal (p.Glu353*) in the CYP11B1 gene. It is expected to result in an absent or disrupted protein product. Loss-of-function variants in CYP11B1 are known to be pathogenic (PMID: 8506298, 26476331). This variant is not present in population databases (gnomAD no frequency). This variant has not been reported in the literature in individuals affected with CYP11B1-related conditions. For these reasons, this variant has been classified as Pathogenic.

Literature cited by the submitters: PubMed 8506298; PubMed 26476331.

NM_000497.4(CYP11B1):c.1057G>T (p.Glu353Ter)

Genes: CYP11B1 (cytochrome P450 family 11 subfamily B member 1; minus strand), LOC106799833 (CYP11B1 recombination region; plus strand). Cytogenetic location: 8q24.3.
Variant type: single nucleotide variant.
Coding change: c.1057G>T on transcript NM_000497.4 (MANE Select); coding-DNA position 1057, G replaced by T.
Protein change: p.Glu353Ter; replaces glutamic acid 353 with a stop codon.
Molecular consequence: nonsense.
Genome position (GRCh38, 1-based): chr8:142,875,776, C>A on the plus strand (G>T on the coding strand, the complement: CYP11B1 is on the minus strand). VCF-style: chr8-142875776-C-A. GRCh37 (hg19) VCF-style: chr8-143957192-C-A.
Other names: c.1057G>T, p.Glu353Ter (NM_001026213.1); short protein forms E353*.
Identifiers: ClinVar variation 2020444 (VCV002020444.4), dbSNP rs2488676574, ClinGen allele CA372393874.
Genomic context (GRCh38, chr8:142,875,776, plus strand): 5'-AGGTCTCCTTGAGGGCCGCACGCAGCAAGGGCAGCTCGGTGGTTGCCTTCTGGGGATGTT[C>A]ACTGATGCTGGCTGCGGCGGCCAGGCTCTCCTGGCGCAGGGCCTGCTGCACGTTGGGGTT-3'